The following is an entry in ClinVar:

NM_001267550.2(TTN):c.807G>A (p.Pro269=)

Gene: TTN (titin; minus strand). Cytogenetic location: 2q31.2.
Variant type: single nucleotide variant.
Coding change: c.807G>A on transcript NM_001267550.2 (MANE Select); coding-DNA position 807, G replaced by A.
Protein change: p.Pro269=; no amino-acid change (proline 269 retained).
Molecular consequence: synonymous variant.
Genome position (GRCh38, 1-based): chr2:178,799,594, C>T on the plus strand (G>A on the coding strand, the complement: TTN is on the minus strand). VCF-style: chr2-178799594-C-T. GRCh37 (hg19) VCF-style: chr2-179664321-C-T.
Other names: p.Pro269=; c.807G>A, p.Pro269= (NM_001256850.1, NM_003319.4, NM_133378.4 and 3 more transcripts).
Identifiers: ClinVar variation 1101656 (VCV001101656.17), dbSNP rs779966449, ClinGen allele CA2006221.
Genomic context (GRCh38, chr2:178,799,594, plus strand): 5'-GGAGTGTCTTATGGGCGATGGGGACTGCTGCCGAGCCAGCTGTGCTTTGGCAGCAATAGA[C>T]GGTGGTGTTGGGGATCTTGACTTTGGCTTCGGAGGAATCCTGGGAGGTGTTTTATGTGGC-3'
Protein context (NP_001254479.2, residues 259-279): PKPKSRSPTP[Pro269=]SIAAKAQLAR

ClinVar aggregate classification (germline): Likely benign. Review status: criteria provided, multiple submitters, no conflicts (2 of 4 stars). 6 submissions from 6 submitters: Likely benign (6). Last evaluated 2026-03-27.

Conditions:
Cardiovascular phenotype. Identifiers: MedGen CN230736.
Autosomal recessive limb-girdle muscular dystrophy type 2J (LGMDR10). Also called: Limb-girdle muscular dystrophy, type 2J; MUSCULAR DYSTROPHY, LIMB-GIRDLE, AUTOSOMAL RECESSIVE 10. Identifiers: Orphanet 140922, MedGen C1837342, MONDO:0012127, OMIM 608807.
Dilated cardiomyopathy 1G (CMD1G). Identifiers: Orphanet 154, MedGen C1858763, MONDO:0011400, OMIM 604145.

Allele frequency attached by ClinVar (database versions not stated): gnomAD exomes below 0.00001 and 0.00002; TOPMed 0.00002; ExAC 0.00003; gnomAD 0.00003 and 0.00004.
gnomAD v4.1: 12 of 1,613,978 alleles (0.00074%); highest among the groups gnomAD compares: African/African-American, 0.0053%; no homozygotes.

Submissions (6):

Molecular Diagnostic Laboratory for Inherited Cardiovascular Disease, Montreal Heart Institute
Classification: Likely benign. Last evaluated: 2026-03-27. Review status: criteria provided, single submitter. Criteria: ACMG Guidelines, 2015. Collection method: clinical testing. Allele origin: germline. Affected: no.
Comment: BP7

Labcorp Genetics (formerly Invitae), Labcorp
Classification: Likely benign for Dilated cardiomyopathy 1G; Autosomal recessive limb-girdle muscular dystrophy type 2J. Last evaluated: 2025-12-23. Review status: criteria provided, single submitter. Criteria: Invitae Variant Classification Sherloc (09022015). Collection method: clinical testing. Allele origin: germline.

Mayo Clinic Laboratories, Mayo Clinic
Classification: Likely benign. Last evaluated: 2025-06-27. Review status: criteria provided, single submitter. Criteria: ACMG Guidelines, 2015. Collection method: clinical testing. Allele origin: germline. Observed: 1 variant allele.
Comment: BP4, BP7

Blueprint Genetics
Classification: Likely benign. Last evaluated: 2022-10-21. Review status: criteria provided, single submitter. Criteria: ACMG Guidelines, 2015. Collection method: clinical testing. Allele origin: germline.

Ambry Genetics
Classification: Likely benign for Cardiovascular phenotype. Last evaluated: 2022-08-03. Review status: criteria provided, single submitter. Criteria: Ambry Variant Classification Scheme 2023. Collection method: clinical testing. Allele origin: germline.

GeneDx
Classification: Likely benign. Last evaluated: 2018-12-18. Review status: criteria provided, single submitter. Criteria: GeneDx Variant Classification Process June 2021. Collection method: clinical testing. Allele origin: germline. Affected: yes.